The following is an entry in ClinVar:

ClinVar aggregate classification (germline): Uncertain significance (1 of 4 stars; one submission).

Conditions:
Bethlem myopathy 1A. Also called: MYOPATHY, BENIGN CONGENITAL, WITH CONTRACTURES; Bethlem myopathy 1; Bethlem Muscular Dystrophy. Identifiers: Orphanet 610, MedGen CN029274, MONDO:0024530, OMIM 158810.

Allele frequency attached by ClinVar (database versions not stated): TOPMed below 0.00001; gnomAD 0.00002.
gnomAD v4.1: 3 of 1,613,080 alleles (0.00019%); highest among the groups gnomAD compares: African/African-American, 0.004%; no homozygotes.

Submission:

Labcorp Genetics (formerly Invitae), Labcorp
Classification: Uncertain significance for Bethlem myopathy 1A. Last evaluated: 2021-03-27. Review status: criteria provided, single submitter. Criteria: Invitae Variant Classification Sherloc (09022015). Collection method: clinical testing. Allele origin: germline.
Comment: This variant has not been reported in the literature in individuals with COL6A1-related conditions. This variant is not present in population databases (ExAC no frequency). This sequence change replaces lysine with methionine at codon 373 of the COL6A1 protein (p.Lys373Met). The lysine residue is highly conserved and there is a moderate physicochemical difference between lysine and methionine. Algorithms developed to predict the effect of missense changes on protein structure and function are either unavailable or do not agree on the potential impact of this missense change (SIFT: "Deleterious"; PolyPhen-2: "Not Available"; Align-GVGD: "Class C35"). In summary, the available evidence is currently insufficient to determine the role of this variant in disease. Therefore, it has been classified as a Variant of Uncertain Significance.

NM_001848.3(COL6A1):c.1118A>T (p.Lys373Met)

Gene: COL6A1 (collagen type VI alpha 1 chain; plus strand). Cytogenetic location: 21q22.3.
Variant type: single nucleotide variant.
Coding change: c.1118A>T on transcript NM_001848.3 (MANE Select); coding-DNA position 1118, A replaced by T.
Protein change: p.Lys373Met; replaces lysine 373 with methionine.
Molecular consequence: missense variant.
Genome position (GRCh38, 1-based): chr21:45,991,040, A>T. VCF-style: chr21-45991040-A-T. GRCh37 (hg19) VCF-style: chr21-47410954-A-T.
Other names: short protein forms K373M.
Identifiers: ClinVar variation 1516749 (VCV001516749.8), dbSNP rs1404246917, ClinGen allele CA410523712.